The following is an entry in ClinVar:

NM_152383.5(DIS3L2):c.848A>G (p.Lys283Arg)

Gene: DIS3L2 (DIS3 like 3'-5' exoribonuclease 2; plus strand). Cytogenetic location: 2q37.1.
Variant type: single nucleotide variant.
Coding change: c.848A>G on transcript NM_152383.5 (MANE Select); coding-DNA position 848, A replaced by G.
Protein change: p.Lys283Arg; replaces lysine 283 with arginine.
Molecular consequence: missense variant. On other transcripts: non-coding transcript variant (1).
Genome position (GRCh38, 1-based): chr2:232,136,617, A>G. VCF-style: chr2-232136617-A-G. GRCh37 (hg19) VCF-style: chr2-233001327-A-G.
Other names: c.848A>G, p.Lys283Arg (NM_001257281.2); short protein forms K283R.
Identifiers: ClinVar variation 1466653 (VCV001466653.8), dbSNP rs2106355478, ClinGen allele CA351153721.

ClinVar aggregate classification (germline): Uncertain significance (1 of 4 stars; one submission).

Conditions:
Perlman syndrome (PRLMNS). Identifiers: Orphanet 2849, MedGen C0796113, MONDO:0009965, OMIM 267000.

Submission:

Labcorp Genetics (formerly Invitae), Labcorp
Classification: Uncertain significance for Perlman syndrome. Last evaluated: 2022-01-26. Review status: criteria provided, single submitter. Criteria: Invitae Variant Classification Sherloc (09022015). Collection method: clinical testing. Allele origin: germline.
Comment: This sequence change replaces lysine, which is basic and polar, with arginine, which is basic and polar, at codon 283 of the DIS3L2 protein (p.Lys283Arg). This variant is not present in population databases (gnomAD no frequency). This variant has not been reported in the literature in individuals affected with DIS3L2-related conditions. Algorithms developed to predict the effect of missense changes on protein structure and function (SIFT, PolyPhen-2, Align-GVGD) all suggest that this variant is likely to be tolerated. Algorithms developed to predict the effect of sequence changes on RNA splicing suggest that this variant may create or strengthen a splice site. In summary, the available evidence is currently insufficient to determine the role of this variant in disease. Therefore, it has been classified as a Variant of Uncertain Significance.